The following is an entry in ClinVar:

ClinVar aggregate classification (germline): Uncertain significance (1 of 4 stars; one submission).

Submission:

Labcorp Genetics (formerly Invitae), Labcorp
Classification: Uncertain significance. Last evaluated: 2026-01-26. Review status: criteria provided, single submitter. Criteria: Invitae Variant Classification Sherloc (09022015). Collection method: clinical testing. Allele origin: germline.
Comment: This sequence change replaces leucine, which is neutral and non-polar, with phenylalanine, which is neutral and non-polar, at codon 499 of the KANK4 protein (p.Leu499Phe). This variant is not present in population databases (gnomAD no frequency). This variant has not been reported in the literature in individuals affected with KANK4-related conditions. An algorithm developed to predict the effect of missense changes on protein structure and function (PolyPhen-2) suggests that this variant is likely to be disruptive. In summary, the available evidence is currently insufficient to determine the role of this variant in disease. Therefore, it has been classified as a Variant of Uncertain Significance.

NM_181712.5(KANK4):c.1495C>T (p.Leu499Phe)

Gene: KANK4 (KN motif and ankyrin repeat domains 4; minus strand). Cytogenetic location: 1p31.3.
Variant type: single nucleotide variant.
Coding change: c.1495C>T on transcript NM_181712.5 (MANE Select); coding-DNA position 1495, C replaced by T.
Protein change: p.Leu499Phe; replaces leucine 499 with phenylalanine.
Molecular consequence: missense variant. On other transcripts: intron variant (1).
Genome position (GRCh38, 1-based): chr1:62,273,609, G>A on the plus strand (C>T on the coding strand, the complement: KANK4 is on the minus strand). VCF-style: chr1-62273609-G-A. GRCh37 (hg19) VCF-style: chr1-62739281-G-A.
Other names: c.17-2020C>T (NM_001320269.2); short protein forms L499F.
Identifiers: ClinVar variation 4769317 (VCV004769317.1).